The following is an entry in ClinVar:

ClinVar aggregate classification (germline): Uncertain significance. Review status: criteria provided, multiple submitters, no conflicts (2 of 4 stars). 2 submissions from 2 submitters: Uncertain significance (2). Last evaluated 2024-01-23.

Conditions:
Epilepsy, familial adult myoclonic, 5 (EPEO5). Also called: CORTICAL MYOCLONIC TREMOR WITH EPILEPSY, FAMILIAL, 5. Identifiers: Orphanet 86814, MedGen C3809374, MONDO:0014167, OMIM 615400.

Allele frequency attached by ClinVar (database versions not stated): gnomAD exomes 0.00001.
gnomAD v4.1: 15 of 1,612,386 alleles (0.00093%); highest among the groups gnomAD compares: Admixed American, 0.0017%; no homozygotes.

Submissions (2):

Ambry Genetics
Classification: Uncertain significance. Last evaluated: 2024-01-23. Review status: criteria provided, single submitter. Criteria: Ambry Variant Classification Scheme 2023. Collection method: clinical testing. Allele origin: germline.

Labcorp Genetics (formerly Invitae), Labcorp
Classification: Uncertain significance for Epilepsy, familial adult myoclonic, 5. Last evaluated: 2021-09-01. Review status: criteria provided, single submitter. Criteria: Invitae Variant Classification Sherloc (09022015). Collection method: clinical testing. Allele origin: germline.
Comment: This sequence change replaces glycine with glutamic acid at codon 855 of the CNTN2 protein (p.Gly855Glu). The glycine residue is highly conserved and there is a moderate physicochemical difference between glycine and glutamic acid. This variant is not present in population databases (ExAC no frequency). This variant has not been reported in the literature in individuals affected with CNTN2-related conditions. Advanced modeling of protein sequence and biophysical properties (such as structural, functional, and spatial information, amino acid conservation, physicochemical variation, residue mobility, and thermodynamic stability) performed at Invitae indicates that this missense variant is not expected to disrupt CNTN2 protein function. In summary, the available evidence is currently insufficient to determine the role of this variant in disease. Therefore, it has been classified as a Variant of Uncertain Significance.

NM_005076.5(CNTN2):c.2564G>A (p.Gly855Glu)

Gene: CNTN2 (contactin 2; plus strand). Cytogenetic location: 1q32.1.
Variant type: single nucleotide variant.
Coding change: c.2564G>A on transcript NM_005076.5 (MANE Select); coding-DNA position 2564, G replaced by A.
Protein change: p.Gly855Glu; replaces glycine 855 with glutamic acid.
Molecular consequence: missense variant. On other transcripts: non-coding transcript variant (1).
Genome position (GRCh38, 1-based): chr1:205,071,966, G>A. VCF-style: chr1-205071966-G-A. GRCh37 (hg19) VCF-style: chr1-205041094-G-A.
Other names: c.2564G>A, p.Gly855Glu (NM_001346083.2); c.2564G>A (NM_005076.3); short protein forms G855E.
Identifiers: ClinVar variation 1378824 (VCV001378824.6), dbSNP rs1211430748, ClinGen allele CA344380994.